The following is an entry in ClinVar:

NM_003705.5(SLC25A12):c.1584A>G (p.Ala528=)

Gene: SLC25A12 (solute carrier family 25 member 12; minus strand). Cytogenetic location: 2q31.1.
Variant type: single nucleotide variant.
Coding change: c.1584A>G on transcript NM_003705.5 (MANE Select); coding-DNA position 1584, A replaced by G.
Protein change: p.Ala528=; no amino-acid change (alanine 528 retained).
Molecular consequence: synonymous variant. On other transcripts: non-coding transcript variant (1).
Genome position (GRCh38, 1-based): chr2:171,791,452, T>C on the plus strand (A>G on the coding strand, the complement: SLC25A12 is on the minus strand). VCF-style: chr2-171791452-T-C. GRCh37 (hg19) VCF-style: chr2-172647962-T-C.
Identifiers: ClinVar variation 1487639 (VCV001487639.8), dbSNP rs2105837445, ClinGen allele CA429781064.

ClinVar aggregate classification (germline): Uncertain significance (1 of 4 stars; one submission).

Allele frequency attached by ClinVar (database versions not stated): gnomAD exomes 0.00001.

Submission:

Labcorp Genetics (formerly Invitae), Labcorp
Classification: Uncertain significance. Last evaluated: 2021-02-19. Review status: criteria provided, single submitter. Criteria: Invitae Variant Classification Sherloc (09022015). Collection method: clinical testing. Allele origin: germline.
Comment: Algorithms developed to predict the effect of sequence changes on RNA splicing suggest that this variant may disrupt the consensus splice site, but this prediction has not been confirmed by published transcriptional studies. This variant has not been reported in the literature in individuals with SLC25A12-related conditions. This variant is not present in population databases (ExAC no frequency). This sequence change affects codon 528 of the SLC25A12 mRNA. It is a 'silent' change, meaning that it does not change the encoded amino acid sequence of the SLC25A12 protein. In summary, the available evidence is currently insufficient to determine the role of this variant in disease. Therefore, it has been classified as a Variant of Uncertain Significance.